The following is an entry in ClinVar:

ClinVar aggregate classification (germline): Uncertain significance (1 of 4 stars; one submission).

Conditions:
Hereditary spastic paraplegia 75. Also called: Spastic paraplegia 75, autosomal recessive. Identifiers: Orphanet 459056, MedGen C4225250, MONDO:0014729, OMIM 616680.

Allele frequency attached by ClinVar (database versions not stated): gnomAD 0.00001; gnomAD exomes 0.00002; TOPMed 0.00003; ExAC 0.00004.

Submission:

Labcorp Genetics (formerly Invitae), Labcorp
Classification: Uncertain significance for Hereditary spastic paraplegia 75. Last evaluated: 2022-02-27. Review status: criteria provided, single submitter. Criteria: Invitae Variant Classification Sherloc (09022015). Collection method: clinical testing. Allele origin: germline.
Comment: This sequence change replaces glycine, which is neutral and non-polar, with serine, which is neutral and polar, at codon 123 of the MAG protein (p.Gly123Ser). This variant is present in population databases (rs766788435, gnomAD 0.03%). This variant has not been reported in the literature in individuals affected with MAG-related conditions. Algorithms developed to predict the effect of missense changes on protein structure and function (SIFT, PolyPhen-2, Align-GVGD) all suggest that this variant is likely to be disruptive. In summary, the available evidence is currently insufficient to determine the role of this variant in disease. Therefore, it has been classified as a Variant of Uncertain Significance.

NM_002361.4(MAG):c.367G>A (p.Gly123Ser)

Gene: MAG (myelin associated glycoprotein; plus strand). Cytogenetic location: 19q13.12.
Variant type: single nucleotide variant.
Coding change: c.367G>A on transcript NM_002361.4 (MANE Select); coding-DNA position 367, G replaced by A.
Protein change: p.Gly123Ser; replaces glycine 123 with serine.
Molecular consequence: missense variant.
Genome position (GRCh38, 1-based): chr19:35,295,933, G>A. VCF-style: chr19-35295933-G-A. GRCh37 (hg19) VCF-style: chr19-35786836-G-A.
Other names: c.292G>A, p.Gly98Ser (NM_001199216.2); c.367G>A, p.Gly123Ser (NM_080600.3); short protein forms G98S, G123S.
Identifiers: ClinVar variation 2057947 (VCV002057947.3), dbSNP rs766788435, ClinGen allele CA9375986.